The following is an entry in ClinVar:

ClinVar aggregate classification (germline): Uncertain significance (1 of 4 stars; one submission).

Conditions:
Hereditary cancer-predisposing syndrome. Also called: Neoplastic Syndromes, Hereditary; Tumor predisposition; Hereditary neoplastic syndrome; Hereditary Cancer Syndrome. Identifiers: Orphanet 140162, MedGen C0027672, MeSH D009386, MONDO:0015356.

Submission:

Ambry Genetics
Classification: Uncertain significance for Hereditary cancer-predisposing syndrome. Last evaluated: 2022-12-16. Review status: criteria provided, single submitter. Criteria: Ambry Variant Classification Scheme 2023. Collection method: clinical testing. Allele origin: germline.
Comment: The c.2934delG variant, located in coding exon 19 of the BRIP1 gene, results from a deletion of one nucleotide at nucleotide position 2934, causing a translational frameshift with a predicted alternate stop codon (p.A980Qfs*5). This alteration occurs at the 3' terminus of theBRIP1 gene, is not expected to trigger nonsense-mediated mRNAdecay, and only impacts the last 270 amino acids of the protein. The exact functional effect of this alteration is unknown. Since supporting evidence is limited at this time, the clinical significance of this alteration remains unclear.

NM_032043.3(BRIP1):c.2934del (p.Ala980fs)

Gene: BRIP1 (BRCA1 interacting DNA helicase 1; minus strand). Cytogenetic location: 17q23.2.
Variant type: Deletion.
Coding change: c.2934del on transcript NM_032043.3 (MANE Select); coding-DNA position 2934, one base deleted (G; older notation c.2934delG).
Protein change: p.Ala980fs; shifts the reading frame from alanine 980.
Molecular consequence: frameshift variant.
Genome position (GRCh38, 1-based): chr17:61,684,112, C deleted on the plus strand (G on the coding strand, the reverse complement: BRIP1 is on the minus strand); the first of 3 consecutive C bases (chr17:61,684,112-61,684,114); deleting any one gives the same sequence. VCF-style (leftmost placement, unchanged base first): chr17-61684111-TC-T. GRCh37 (hg19) VCF-style: chr17-59761472-TC-T.
Other names: c.2934delG (NM_032043.2); short protein forms A980fs.
Identifiers: ClinVar variation 2449916 (VCV002449916.2), dbSNP rs2544562374, ClinGen allele CA2580094576.
Genomic context (GRCh38, chr17:61,684,111, plus strand): 5'-TCTTTGTTTGTTTGTTGAAAGTTGGGCTTGTGGATCTGGAAATCACAATTTTTTCTGCTT[TC>T]CCTGCTTCTTCCAGGAATACTGGATCATCTAAGAATACAAGAATTTAAGAGATTTAACTT-3'